The following is an entry in ClinVar:

ClinVar aggregate classification (germline): Uncertain significance (1 of 4 stars; one submission).

Conditions:
Malignant hyperthermia, susceptibility to, 5 (MHS5). Also called: CACNA1S-Related Malignant Hyperthermia Susceptibility. Identifiers: Orphanet 423, MedGen C1866077, MONDO:0011163, OMIM 601887.

Allele frequency attached by ClinVar (database versions not stated): TOPMed below 0.00001.

Submission:

All of Us Research Program, National Institutes of Health
Classification: Uncertain significance for Malignant hyperthermia, susceptibility to, 5. Last evaluated: 2023-12-13. Review status: criteria provided, single submitter. Criteria: ACMG Guidelines, 2015. Collection method: clinical testing. Allele origin: germline. Inheritance: Autosomal dominant inheritance. Observed: 1 variant allele, 1 heterozygote.
Comment: This missense variant replaces leucine with valine at codon 175 of the CACNA1S protein. Computational prediction suggests that this variant may have deleterious impact on protein structure and function (internally defined REVEL score threshold >= 0.7, PMID: 27666373). To our knowledge, functional studies have not been reported for this variant. This variant has not been reported in individuals affected with CACNA1S-related disorders in the literature. This variant has not been identified in the general population by the Genome Aggregation Database (gnomAD). The available evidence is insufficient to determine the role of this variant in disease conclusively. Therefore, this variant is classified as a Variant of Uncertain Significance.

This study involves interpretation of variants in research participants for the purpose of population health screening. Participant phenotype was not available at the time of variant classification. Additional details can be found in publication PMID: 35346344, PMCID: PMC8962531

NM_000069.3(CACNA1S):c.523C>G (p.Leu175Val)

Gene: CACNA1S (calcium voltage-gated channel subunit alpha1 S; minus strand). Cytogenetic location: 1q32.1.
Variant type: single nucleotide variant.
Coding change: c.523C>G on transcript NM_000069.3 (MANE Select); coding-DNA position 523, C replaced by G.
Protein change: p.Leu175Val; replaces leucine 175 with valine.
Molecular consequence: missense variant.
Genome position (GRCh38, 1-based): chr1:201,091,990, G>C on the plus strand (C>G on the coding strand, the complement: CACNA1S is on the minus strand). VCF-style: chr1-201091990-G-C. GRCh37 (hg19) VCF-style: chr1-201061118-G-C.
Other names: short protein forms L175V.
Identifiers: ClinVar variation 3074748 (VCV003074748.1), dbSNP rs1662250974, ClinGen allele CA344141542.